The following is an entry in ClinVar:

ClinVar aggregate classification (germline): Likely pathogenic (1 of 4 stars; one submission).

Conditions:
Angelman syndrome (AS). Also called: HAPPY PUPPET SYNDROME. Identifiers: Orphanet 72, MedGen C0162635, MONDO:0007113, OMIM 105830. Disease mechanism: loss of function. Inheritance: AS is caused by disruption of maternally imprinted UBE3A located within the 15q11.2-q13 Angelman syndrome/Prader-Willi syndrome (AS/PWS) region., imprinting disorder.

Submission:

Labcorp Genetics (formerly Invitae), Labcorp
Classification: Likely pathogenic for Angelman syndrome. Last evaluated: 2022-06-27. Review status: criteria provided, single submitter. Criteria: Invitae Variant Classification Sherloc (09022015). Collection method: clinical testing. Allele origin: germline.
Comment: In summary, the currently available evidence indicates that the variant is pathogenic, but additional data are needed to prove that conclusively. Therefore, this variant has been classified as Likely Pathogenic. Algorithms developed to predict the effect of sequence changes on RNA splicing suggest that this variant may disrupt the consensus splice site. This variant has not been reported in the literature in individuals affected with UBE3A-related conditions. This variant is not present in population databases (gnomAD no frequency). This sequence change affects a donor splice site in intron 6 of the UBE3A gene. It is expected to disrupt RNA splicing. Variants that disrupt the donor or acceptor splice site typically lead to a loss of protein function (PMID: 16199547), and loss-of-function variants in UBE3A are known to be pathogenic (PMID: 25212744).

Literature cited by the submitters: PubMed 16199547; PubMed 25212744.

NM_130839.5(UBE3A):c.2124+1G>T

Genes: SNHG14 (small nucleolar RNA host gene 14; plus strand), UBE3A (ubiquitin protein ligase E3A; minus strand). Cytogenetic location: 15q11.2.
Variant type: single nucleotide variant.
Coding change: c.2124+1G>T on transcript NM_130839.5 (MANE Select); the canonical splice donor site of the intron after coding-DNA position 2124, G replaced by T.
Molecular consequence: splice donor variant. On other transcripts: intron variant (1).
Genome position (GRCh38, 1-based): chr15:25,355,891, C>A on the plus strand (G>T on the coding strand, the complement: UBE3A is on the minus strand). VCF-style: chr15-25355891-C-A. GRCh37 (hg19) VCF-style: chr15-25601038-C-A.
Other names: c.1947+1G>T (NM_001354546.2); c.813+1G>T (NM_001354551.2); c.1899+800G>T (NM_001354549.2); c.2064+1G>T (NM_001354548.2, NM_130838.4, NM_001354542.2 and 16 more transcripts); c.873+1G>T (NM_001354550.2); c.2124+1G>T (NM_001354545.2, NM_001354538.2, NM_001354505.1); c.2133+1G>T (NM_000462.5).
Identifiers: ClinVar variation 1465444 (VCV001465444.8), dbSNP rs2152693602, ClinGen allele CA391351967.
Genomic context (GRCh38, chr15:25,355,891, plus strand): 5'-AGCATACATGCTTTGAAAGTGTTAATGAAGAGACAAAATGTGACATAAAAACATTTATTA[C>A]CTTCCTGTTTTCATTTGTAATTGGAATTTTATCACCATTTTCCTTTAGATCATACATCAT-3'